The following is an entry in ClinVar:

ClinVar aggregate classification (germline): Pathogenic. Review status: criteria provided, multiple submitters, no conflicts (2 of 4 stars). 2 submissions from 2 submitters: Pathogenic (2). Last evaluated 2025-01-27.

Conditions:
Dilated cardiomyopathy 1HH (CMD1HH). Identifiers: Orphanet 154, MedGen C3151293, MONDO:0013479, OMIM 613881.
Myofibrillar myopathy 6. Identifiers: Orphanet 199340, MedGen C2751831, MONDO:0013061, OMIM 612954.
Primary familial dilated cardiomyopathy (FDC). Also called: Familial dilated cardiomyopathy; Hypokinetic dilated cardiomyopathy, familial. Identifiers: Orphanet 217607, MedGen C0340427, MONDO:0016333.

Submissions (2):

Women's Health and Genetics/Laboratory Corporation of America, LabCorp
Classification: Pathogenic for Primary familial dilated cardiomyopathy. Last evaluated: 2025-01-27. Review status: criteria provided, single submitter. Criteria: LabCorp Variant Classification Summary - May 2015. Collection method: clinical testing. Allele origin: germline.
Comment: Variant summary: BAG3 c.811C>T (p.Gln271X) results in a premature termination codon, predicted to cause a truncation of the encoded protein or absence of the protein due to nonsense mediated decay, which are commonly known mechanisms for disease. The variant was absent in 250478 control chromosomes (gnomAD). To our knowledge, no occurrence of c.811C>T in individuals affected with Dilated Cardiomyopathy and no experimental evidence demonstrating its impact on protein function have been reported. ClinVar contains an entry for this variant (Variation ID: 1069307). Based on the evidence outlined above, the variant was classified as pathogenic.

Labcorp Genetics (formerly Invitae), Labcorp
Classification: Pathogenic for Dilated cardiomyopathy 1HH; Myofibrillar myopathy 6. Last evaluated: 2020-08-25. Review status: criteria provided, single submitter. Criteria: Invitae Variant Classification Sherloc (09022015). Collection method: clinical testing. Allele origin: germline.
Comment: Loss-of-function variants in BAG3 are known to be pathogenic (PMID: 21353195, 25008357). This variant has not been reported in the literature in individuals with BAG3-related conditions. This variant is not present in population databases (ExAC no frequency). This sequence change creates a premature translational stop signal (p.Gln271*) in the BAG3 gene. It is expected to result in an absent or disrupted protein product. For these reasons, this variant has been classified as Pathogenic.

Literature cited by the submitters: PubMed 21353195 (cited by Labcorp Genetics (formerly Invitae), Labcorp); PubMed 25008357 (cited by Labcorp Genetics (formerly Invitae), Labcorp).

NM_004281.4(BAG3):c.811C>T (p.Gln271Ter)

Gene: BAG3 (BAG cochaperone 3; plus strand). Cytogenetic location: 10q26.11.
Variant type: single nucleotide variant.
Coding change: c.811C>T on transcript NM_004281.4 (MANE Select); coding-DNA position 811, C replaced by T.
Protein change: p.Gln271Ter; replaces glutamine 271 with a stop codon.
Molecular consequence: nonsense.
Genome position (GRCh38, 1-based): chr10:119,672,558, C>T. VCF-style: chr10-119672558-C-T. GRCh37 (hg19) VCF-style: chr10-121432070-C-T.
Other names: short protein forms Q271*.
Identifiers: ClinVar variation 1069307 (VCV001069307.9), dbSNP rs2134065350, ClinGen allele CA378295847.
Genomic context (GRCh38, chr10:119,672,558, plus strand): 5'-CAGGGGGATGACTGGGAGCCCCGGCCCCTGCGGGCGGCATCCCCGTTCAGGTCATCTGTC[C>T]AGGGTGCATCGAGCCGGGAGGGCTCACCAGCCAGGAGCAGCACGCCACTCCACTCCCCCT-3'